The following is an entry in ClinVar:

ClinVar aggregate classification (germline): Likely benign. Review status: criteria provided, multiple submitters, no conflicts (2 of 4 stars). 3 submissions from 3 submitters: Likely benign (2). 1 of the submissions does not count toward it. Last evaluated 2025-01-06.

Conditions:
COL6A3-related disorder. Also called: COL6A3-related disorders; COL6A3-related condition.
Collagen 6-related myopathy. Identifiers: MedGen CN117976, MONDO:0100225.
Bethlem myopathy 1A. Also called: MYOPATHY, BENIGN CONGENITAL, WITH CONTRACTURES; Bethlem myopathy 1; Bethlem Muscular Dystrophy. Identifiers: Orphanet 610, MedGen CN029274, MONDO:0024530, OMIM 158810.

Allele frequency attached by ClinVar (database versions not stated): ExAC 0.00005; gnomAD exomes 0.00005 and 0.00012; gnomAD 0.00006; TOPMed 0.00006; ESP Exome Variant Server 0.00031.
gnomAD v4.1: 189 of 1,600,776 alleles (0.012%); highest among the groups gnomAD compares: Non-Finnish European, 0.014%; no homozygotes.

Submissions (3):

Labcorp Genetics (formerly Invitae), Labcorp
Classification: Likely benign for Bethlem myopathy 1A. Last evaluated: 2025-01-06. Review status: criteria provided, single submitter. Criteria: Invitae Variant Classification Sherloc (09022015). Collection method: clinical testing. Allele origin: germline.

Illumina Laboratory Services, Illumina
Classification: Likely benign for Collagen VI-related myopathy. Last evaluated: 2018-01-12. Review status: criteria provided, single submitter. Criteria: ICSL Variant Classification Criteria 13 December 2019. Collection method: clinical testing. Allele origin: germline.
Comment: This variant was observed in the ICSL laboratory as part of a predisposition screen in an ostensibly healthy population. It had not been previously curated by ICSL or reported in the Human Gene Mutation Database (HGMD: prior to June 1st, 2018), and was therefore a candidate for classification through an automated scoring system. Utilizing variant allele frequency, disease prevalence and penetrance estimates, and inheritance mode, an automated score was calculated to assess if this variant is too frequent to cause the disease. Based on the score and internal cut-off values, a variant classified as likely benign is not then subjected to further curation. The score for this variant resulted in a classification of likely benign for this disease.

PreventionGenetics, part of Exact Sciences
Classification: Likely benign for COL6A3-related condition. Last evaluated: 2019-06-17. Review status: no assertion criteria provided. Collection method: clinical testing. Allele origin: germline. Not counted in ClinVar's aggregate classification.
Comment: This variant is classified as likely benign based on ACMG/AMP sequence variant interpretation guidelines (Richards et al. 2015 PMID: 25741868, with internal and published modifications).

NM_004369.4(COL6A3):c.2523C>T (p.Leu841=)

Gene: COL6A3 (collagen type VI alpha 3 chain; minus strand). Cytogenetic location: 2q37.3.
Variant type: single nucleotide variant.
Coding change: c.2523C>T on transcript NM_004369.4 (MANE Select); coding-DNA position 2523, C replaced by T.
Protein change: p.Leu841=; no amino-acid change (leucine 841 retained).
Molecular consequence: synonymous variant.
Genome position (GRCh38, 1-based): chr2:237,377,319, G>A on the plus strand (C>T on the coding strand, the complement: COL6A3 is on the minus strand). VCF-style: chr2-237377319-G-A. GRCh37 (hg19) VCF-style: chr2-238285962-G-A.
Other names: c.1302C>T, p.Leu434= (NM_057164.5); c.1905C>T, p.Leu635= (NM_057165.5, NM_057167.4); c.702C>T, p.Leu234= (NM_057166.5).
Identifiers: ClinVar variation 899209 (VCV000899209.13), dbSNP rs142876356, ClinGen allele CA2189377.
Genomic context (GRCh38, chr2:237,377,319, plus strand): 5'-CTTGTAGAGAAAGTCACGGACAACAGGGAACTGGCCCACAAGATTGGCTGAGCCGTCAAA[G>A]AGGAACAGAATGTCTCGCTTGCTCTCTGCAATGAAGGTAGATTAGGATACAATGAGGGAC-3'
Protein context (NP_004360.2, residues 831-851): QPESKRDILF[Leu841=]FDGSANLVGQ